The following is an entry in ClinVar:

ClinVar aggregate classification (germline): Uncertain significance (1 of 4 stars; one submission).

Submission:

CeGaT Center for Human Genetics Tuebingen
Classification: Uncertain significance. Last evaluated: 2022-12-01. Review status: criteria provided, single submitter. Criteria: CeGaT Center For Human Genetics Tuebingen Variant Classification Criteria Version 2. Collection method: clinical testing. Allele origin: germline. Affected: yes. Observed: 1 variant allele.
Comment: PLAG1: PM2

NM_002655.3(PLAG1):c.1461C>G (p.Ser487Arg)

Gene: PLAG1 (PLAG1 zinc finger; minus strand). Cytogenetic location: 8q12.1.
Variant type: single nucleotide variant.
Coding change: c.1461C>G on transcript NM_002655.3 (MANE Select); coding-DNA position 1461, C replaced by G.
Protein change: p.Ser487Arg; replaces serine 487 with arginine.
Molecular consequence: missense variant.
Genome position (GRCh38, 1-based): chr8:56,166,285, G>C on the plus strand (C>G on the coding strand, the complement: PLAG1 is on the minus strand). VCF-style: chr8-56166285-G-C. GRCh37 (hg19) VCF-style: chr8-57078844-G-C.
Other names: c.1461C>G, p.Ser487Arg (NM_001114634.2); c.1215C>G, p.Ser405Arg (NM_001114635.2); short protein forms S405R, S487R.
Identifiers: ClinVar variation 1879713 (VCV001879713.29), dbSNP rs1259164201, ClinGen allele CA371376328.